The following is an entry in ClinVar:

NM_004863.4(SPTLC2):c.508G>C (p.Val170Leu)

Gene: SPTLC2 (serine palmitoyltransferase long chain base subunit 2; minus strand). Cytogenetic location: 14q24.3.
Variant type: single nucleotide variant.
Coding change: c.508G>C on transcript NM_004863.4 (MANE Select); coding-DNA position 508, G replaced by C.
Protein change: p.Val170Leu; replaces valine 170 with leucine.
Molecular consequence: missense variant.
Genome position (GRCh38, 1-based): chr14:77,576,890, C>G on the plus strand (G>C on the coding strand, the complement: SPTLC2 is on the minus strand). VCF-style: chr14-77576890-C-G. GRCh37 (hg19) VCF-style: chr14-78043233-C-G.
Other names: short protein forms V170L.
Identifiers: ClinVar variation 246030 (VCV000246030.2), dbSNP rs879254055, ClinGen allele CA10584492.
Genomic context (GRCh38, chr14:77,576,890, plus strand): 5'-CTTGACATGATCCAGTATTCCGTGCAAATCCAAGATAGTTGTAGGAACCCATGTTTATAA[C>G]ACCCTTTATTATATTCCCTGTATACCTGTGCATCAATAGCATAAAACAATGAAACTCATG-3'
Protein context (NP_004854.1, residues 160-180): FKYTGNIIKG[Val170Leu]INMGSYNYLG

ClinVar aggregate classification (germline): Uncertain significance (1 of 4 stars; one submission).

Submission:

GeneDx
Classification: Uncertain significance. Last evaluated: 2015-11-19. Review status: criteria provided, single submitter. Criteria: GeneDx Variant Classification (06012015). Collection method: clinical testing. Allele origin: germline. Affected: yes.
Comment: The V170L variant has not been published as a pathogenic variant, nor has it been reported as a benign variant to our knowledge. It was not observed in approximately 6,500 individuals of European and African American ancestry in the NHLBI Exome Sequencing Project, indicating it is not a common benign variant in these populations. The V170L variant is a conservative amino acid substitution, which is not likely to impact secondary protein structure as these residues share similar properties. This substitution occurs at a position where amino acids with similar properties to Valine are tolerated across species. In silico analysis is inconsistent in its predictions as to whether or not the variant is damaging to the protein structure/function. Therefore, based on the currently available information, it is unclear whether this variant is a pathogenic variant or a rare benign variant.